The following is an entry in ClinVar:

NM_003000.3(SDHB):c.365A>G (p.Asn122Ser)

Gene: SDHB (succinate dehydrogenase complex iron sulfur subunit B; minus strand). Cytogenetic location: 1p36.13.
Variant type: single nucleotide variant.
Coding change: c.365A>G on transcript NM_003000.3 (MANE Select); coding-DNA position 365, A replaced by G.
Protein change: p.Asn122Ser; replaces asparagine 122 with serine.
Molecular consequence: missense variant.
Genome position (GRCh38, 1-based): chr1:17,028,658, T>C on the plus strand (A>G on the coding strand, the complement: SDHB is on the minus strand). VCF-style: chr1-17028658-T-C. GRCh37 (hg19) VCF-style: chr1-17355153-T-C.
Other names: short protein forms N122S.
Identifiers: ClinVar variation 824037 (VCV000824037.12), dbSNP rs1557741472, ClinGen allele CA338274471.

ClinVar aggregate classification (germline): Conflicting classifications of pathogenicity. Review status: criteria provided, conflicting classifications (1 of 4 stars). 4 submissions from 4 submitters: Uncertain significance (3); Likely benign (1). Last evaluated 2025-07-11.

Conditions:
Pheochromocytoma/paraganglioma syndrome 4. Also called: CAROTID BODY TUMORS AND MULTIPLE EXTRAADRENAL PHEOCHROMOCYTOMAS; SDHB-Related Hereditary Paraganglioma-Pheochromocytoma Syndrome (Paragangliomas 4); SDHB-Related Hereditary Paraganglioma-Pheochromocytoma Syndrome; PARAGANGLIOMA, FAMILIAL MALIGNANT; PARAGANGLIOMAS, HEREDITARY EXTRAADRENAL; PHEOCHROMOCYTOMA, FAMILIAL EXTRAADRENAL. Identifiers: Orphanet 29072, MedGen C1861848, MONDO:0007273, OMIM 115310.
Pheochromocytoma. Also called: MAX-Related Hereditary Paraganglioma-Pheochromocytoma Syndrome. Identifiers: Orphanet 29072, MedGen C0031511, MONDO:0008233, OMIM 171300, HP:0002666.
Gastrointestinal stromal tumor. Also called: Gastrointestinal stroma tumor; Gastrointestinal stromal tumor, somatic. Identifiers: Orphanet 44890, MedGen C0238198, MeSH D046152, MONDO:0011719, OMIM 606764, HP:0100723.
Hereditary cancer-predisposing syndrome. Also called: Tumor predisposition; Neoplastic Syndromes, Hereditary; Hereditary Cancer Syndrome; Hereditary neoplastic syndrome. Identifiers: Orphanet 140162, MedGen C0027672, MeSH D009386, MONDO:0015356.
Hereditary pheochromocytoma and paraganglioma. Also called: Hereditary Paraganglioma-Pheochromocytoma Syndromes; Hereditary paragangliomas and pheochromocytomas; Hereditary pheochromocytoma-paraganglioma. Identifiers: Orphanet 29072, MedGen C4274332, MONDO:0017366.

Allele frequency attached by ClinVar (database versions not stated): gnomAD 0.00001; TOPMed 0.00001; gnomAD exomes below 0.00001.
gnomAD v4.1: 6 of 1,614,054 alleles (0.00037%); highest among the groups gnomAD compares: African/African-American, 0.0027%; no homozygotes.

Submissions (4):

Color Diagnostics, LLC DBA Color Health
Classification: Uncertain significance for Hereditary pheochromocytoma and paraganglioma. Last evaluated: 2025-07-11. Review status: criteria provided, single submitter. Criteria: ACMG Guidelines, 2015. Collection method: clinical testing. Allele origin: germline.
Comment: This missense variant replaces asparagine with serine at codon 122 of the SDHB protein. Splice prediction tools suggest that this variant may disrupt RNA splicing. To our knowledge, RNA studies have not been reported for this variant. This variant has not been reported in individuals affected with SDHB-related disorders in the literature. This variant has not been identified in the general population by the Genome Aggregation Database (gnomAD). The available evidence is insufficient to determine the role of this variant in disease conclusively. Therefore, this variant is classified as a Variant of Uncertain Significance.

GeneDx
Classification: Uncertain significance. Last evaluated: 2025-06-20. Review status: criteria provided, single submitter. Criteria: GeneDx Variant Classification Process June 2021. Collection method: clinical testing. Allele origin: germline. Affected: yes.
Comment: Not observed at significant frequency in large population cohorts (gnomAD); In silico analysis supports that this missense variant has a deleterious effect on splicing; In silico analysis suggests that this missense variant does not alter protein structure/function; Has not been previously published as pathogenic or benign to our knowledge

Labcorp Genetics (formerly Invitae), Labcorp
Classification: Uncertain significance for Gastrointestinal stromal tumor; Pheochromocytoma/paraganglioma syndrome 4; Pheochromocytoma. Last evaluated: 2024-12-17. Review status: criteria provided, single submitter. Criteria: Invitae Variant Classification Sherloc (09022015). Collection method: clinical testing. Allele origin: germline.
Comment: This sequence change replaces asparagine, which is neutral and polar, with serine, which is neutral and polar, at codon 122 of the SDHB protein (p.Asn122Ser). This variant is not present in population databases (gnomAD no frequency). This variant has not been reported in the literature in individuals affected with SDHB-related conditions. ClinVar contains an entry for this variant (Variation ID: 824037). Invitae Evidence Modeling of protein sequence and biophysical properties (such as structural, functional, and spatial information, amino acid conservation, physicochemical variation, residue mobility, and thermodynamic stability) indicates that this missense variant is not expected to disrupt SDHB protein function with a negative predictive value of 80%. RNA analysis performed to evaluate the impact of this missense change on mRNA splicing indicates it does not significantly alter splicing (internal data). In summary, the available evidence is currently insufficient to determine the role of this variant in disease. Therefore, it has been classified as a Variant of Uncertain Significance.

Ambry Genetics
Classification: Likely benign for Hereditary cancer-predisposing syndrome. Last evaluated: 2022-06-08. Review status: criteria provided, single submitter. Criteria: Ambry Variant Classification Scheme 2023. Collection method: clinical testing. Allele origin: germline.